The following is an entry in ClinVar:

ClinVar aggregate classification (germline): Likely benign (1 of 4 stars; one submission).

Submission:

GeneDx
Classification: Likely benign. Last evaluated: 2016-08-16. Review status: criteria provided, single submitter. Criteria: GeneDx Variant Classification (06012015). Collection method: clinical testing. Allele origin: germline. Affected: yes.
Comment: This variant is considered likely benign or benign based on one or more of the following criteria: it is a conservative change, it occurs at a poorly conserved position in the protein, it is predicted to be benign by multiple in silico algorithms, and/or has population frequency not consistent with disease.

NM_001164508.2(NEB):c.15513G>A (p.Pro5171=)

Gene: NEB (nebulin; minus strand). Cytogenetic location: 2q23.3.
Variant type: single nucleotide variant.
Coding change: c.15513G>A on transcript NM_001164508.2 (MANE Select); coding-DNA position 15513, G replaced by A.
Protein change: p.Pro5171=; no amino-acid change (proline 5171 retained).
Molecular consequence: synonymous variant. On other transcripts: intron variant (1).
Genome position (GRCh38, 1-based): chr2:151,586,447, C>T on the plus strand (G>A on the coding strand, the complement: NEB is on the minus strand). VCF-style: chr2-151586447-C-T. GRCh37 (hg19) VCF-style: chr2-152442961-C-T.
Other names: c.15513G>A, p.Pro5171= (NM_001164507.2, NM_001271208.2); c.11602-10093G>A (NM_004543.5).
Identifiers: ClinVar variation 388194 (VCV000388194.1), dbSNP rs1057523028, ClinGen allele CA16603778.
Genomic context (GRCh38, chr2:151,586,447, plus strand): 5'-CATGTTCGTGCCACTTACATTGCTGATTTGCAAGGCATTGATGTGGGCCTGCAGCATCTC[C>T]GGAGTATCAGAAGGAATGGTGATGTTGCTTTTATCTTTATTCCAGGCTTCCTGATACAGT-3'
Protein context (NP_001157980.2, residues 5161-5181): KSNITIPSDT[Pro5171=]EMLQAHINAL